The following is an entry in ClinVar:

ClinVar aggregate classification (germline): Uncertain significance (1 of 4 stars; one submission).

Conditions:
Hereditary cancer-predisposing syndrome. Also called: Hereditary Cancer Syndrome; Tumor predisposition; Hereditary neoplastic syndrome; Neoplastic Syndromes, Hereditary. Identifiers: Orphanet 140162, MedGen C0027672, MeSH D009386, MONDO:0015356.
Cardiovascular phenotype. Identifiers: MedGen CN230736.

Submission:

Ambry Genetics
Classification: Uncertain significance for Cardiovascular phenotype; Hereditary cancer-predisposing syndrome. Last evaluated: 2024-07-17. Review status: criteria provided, single submitter. Criteria: Ambry Variant Classification Scheme 2023. Collection method: clinical testing. Allele origin: germline.
Comment: The p.V1718A variant (also known as c.5153T>C), located in coding exon 36 of the NF1 gene, results from a T to C substitution at nucleotide position 5153. The valine at codon 1718 is replaced by alanine, an amino acid with similar properties. This amino acid position is conserved. In addition, the in silico prediction for this alteration is inconclusive. Based on the available evidence, the clinical significance of this variant remains unclear.

NM_001042492.3(NF1):c.5216T>C (p.Val1739Ala)

Gene: NF1 (neurofibromin 1; plus strand). Cytogenetic location: 17q11.2.
Variant type: single nucleotide variant.
Coding change: c.5216T>C on transcript NM_001042492.3 (MANE Select); coding-DNA position 5216, T replaced by C.
Protein change: p.Val1739Ala; replaces valine 1739 with alanine.
Molecular consequence: missense variant.
Genome position (GRCh38, 1-based): chr17:31,326,200, T>C. VCF-style: chr17-31326200-T-C. GRCh37 (hg19) VCF-style: chr17-29653218-T-C.
Other names: c.5153T>C, p.Val1718Ala (NM_000267.4); short protein forms V1739A, V1718A.
Identifiers: ClinVar variation 3404669 (VCV003404669.1).